The following is an entry in ClinVar:

ClinVar aggregate classification (germline): Conflicting classifications of pathogenicity. Review status: criteria provided, conflicting classifications (1 of 4 stars). 6 submissions from 6 submitters: Uncertain significance (3); Likely benign (3). Last evaluated 2026-01-11.

Conditions:
Hereditary cancer-predisposing syndrome. Also called: Neoplastic Syndromes, Hereditary; Tumor predisposition; Hereditary Cancer Syndrome; Hereditary neoplastic syndrome. Identifiers: Orphanet 140162, MedGen C0027672, MeSH D009386, MONDO:0015356.
Hereditary breast ovarian cancer syndrome. Also called: Breast and ovarian cancer; Hereditary breast and ovarian cancer; Hereditary breast and/or ovarian cancer syndrome; BRCA1- and BRCA2-Associated Hereditary Breast and Ovarian Cancer; Hereditary breast and ovarian cancer syndrome; Hereditary breast and ovarian cancer syndrome (HBOC). Identifiers: Orphanet 145, MedGen C0677776, MeSH D061325, MONDO:0003582. Disease mechanism: loss of function.

Allele frequency attached by ClinVar (database versions not stated): gnomAD exomes below 0.00001.
gnomAD v4.1: 4 of 1,608,594 alleles (0.00025%); highest among the groups gnomAD compares: Non-Finnish European, 0.00034%; no homozygotes.

Submissions (6):

Labcorp Genetics (formerly Invitae), Labcorp
Classification: Uncertain significance for Hereditary breast ovarian cancer syndrome. Last evaluated: 2026-01-11. Review status: criteria provided, single submitter. Criteria: Invitae Variant Classification Sherloc (09022015). Collection method: clinical testing. Allele origin: germline.
Comment: This sequence change replaces isoleucine, which is neutral and non-polar, with valine, which is neutral and non-polar, at codon 1865 of the BRCA2 protein (p.Ile1865Val). This variant is not present in population databases (gnomAD no frequency). This variant has not been reported in the literature in individuals affected with BRCA2-related conditions. ClinVar contains an entry for this variant (Variation ID: 141049). Invitae Evidence Modeling of protein sequence and biophysical properties (such as structural, functional, and spatial information, amino acid conservation, physicochemical variation, residue mobility, and thermodynamic stability) indicates that this missense variant is not expected to disrupt BRCA2 protein function with a negative predictive value of 95%. In summary, the available evidence is currently insufficient to determine the role of this variant in disease. Therefore, it has been classified as a Variant of Uncertain Significance.

Center for Genomic Medicine, Rigshospitalet, Copenhagen University Hospital
Classification: Likely benign. Last evaluated: 2025-03-04. Review status: criteria provided, single submitter. Criteria: ACMG Guidelines, 2015. Collection method: clinical testing. Allele origin: germline.
Comment: Classification criteria: BP1_strong

Color Diagnostics, LLC DBA Color Health
Classification: Likely benign for Hereditary cancer-predisposing syndrome. Last evaluated: 2024-09-10. Review status: criteria provided, single submitter. Criteria: ACMG Guidelines, 2015. Collection method: clinical testing. Allele origin: germline.

Ambry Genetics
Classification: Uncertain significance for Hereditary cancer-predisposing syndrome. Last evaluated: 2023-11-29. Review status: criteria provided, single submitter. Criteria: Ambry Variant Classification Scheme 2023. Collection method: clinical testing. Allele origin: germline.
Comment: The p.I1865V variant (also known as c.5593A>G), located in coding exon 10 of the BRCA2 gene, results from an A to G substitution at nucleotide position 5593. The isoleucine at codon 1865 is replaced by valine, an amino acid with highly similar properties. This amino acid position is poorly conserved in available vertebrate species. In addition, this alteration is predicted to be tolerated by in silico analysis. Since supporting evidence is limited at this time, the clinical significance of this alteration remains unclear.

GeneDx
Classification: Uncertain significance. Last evaluated: 2023-07-06. Review status: criteria provided, single submitter. Criteria: GeneDx Variant Classification Process June 2021. Collection method: clinical testing. Allele origin: germline. Affected: yes.
Comment: Not observed at significant frequency in large population cohorts (gnomAD); In silico analysis supports that this missense variant does not alter protein structure/function; Has not been previously published as pathogenic or benign to our knowledge; Also known as 5821A>G; This variant is associated with the following publications: (PMID: 31853058, 29884841, 9002670, 22193408, 31911673, 32377563)

University of Washington Department of Laboratory Medicine, University of Washington
Classification: Likely benign for Hereditary cancer-predisposing syndrome. Last evaluated: 2023-03-23. Review status: criteria provided, single submitter. Criteria: Dines et al. (Genet Med. 2020). Collection method: curation. Allele origin: germline.
Comment: Missense variant in a coldspot region where missense variants are very unlikely to be pathogenic (PMID:31911673).

BRCA2 exon 11 coldspot. Reclassification based on statistical prior probability.

NM_000059.4(BRCA2):c.5593A>G (p.Ile1865Val)

Gene: BRCA2 (BRCA2 DNA repair associated; plus strand). Cytogenetic location: 13q13.1.
Variant type: single nucleotide variant.
Coding change: c.5593A>G on transcript NM_000059.4 (MANE Select); coding-DNA position 5593, A replaced by G.
Protein change: p.Ile1865Val; replaces isoleucine 1865 with valine.
Molecular consequence: missense variant.
Genome position (GRCh38, 1-based): chr13:32,339,948, A>G. VCF-style: chr13-32339948-A-G. GRCh37 (hg19) VCF-style: chr13-32914085-A-G.
Other names: short protein forms I1865V.
Identifiers: ClinVar variation 141049 (VCV000141049.17), dbSNP rs587781455, ClinGen allele CA022664.
Genomic context (GRCh38, chr13:32,339,948, plus strand): 5'-AGGATAGCCAGTGGTAAAATCGTTTGTGTTTCACATGAAACAATTAAAAAAGTGAAAGAC[A>G]TATTTACAGACAGTTTCAGTAAAGTAATTAAGGAAAACAACGAGAATAAATCAAAAATTT-3'
Protein context (NP_000050.3, residues 1855-1875): SHETIKKVKD[Ile1865Val]FTDSFSKVIK